The following is an entry in ClinVar:

ClinVar aggregate classification (germline): Uncertain significance. Review status: criteria provided, multiple submitters, no conflicts (2 of 4 stars). 3 submissions from 3 submitters: Uncertain significance (3). Last evaluated 2024-08-21.

Conditions:
Pulmonary fibrosis and/or bone marrow failure, Telomere-related, 3. Also called: PULMONARY FIBROSIS AND/OR BONE MARROW FAILURE SYNDROME, TELOMERE-RELATED, 3. Identifiers: Orphanet 2032, MedGen C4225346, MONDO:0014613, OMIM 616373.
Dyskeratosis congenita, autosomal recessive 5 (DKCB5). Identifiers: MedGen C3554656, MONDO:0014076, OMIM 615190.
Inborn genetic diseases. Identifiers: MedGen C0950123, MeSH D030342.

Allele frequency attached by ClinVar (database versions not stated): gnomAD exomes below 0.00001; TOPMed below 0.00001; ExAC 0.00001.
gnomAD v4.1: 4 of 1,612,440 alleles (0.00025%); highest among the groups gnomAD compares: South Asian, 0.0011%; no homozygotes.

Submissions (3):

Labcorp Genetics (formerly Invitae), Labcorp
Classification: Uncertain significance for Dyskeratosis congenita, autosomal recessive 5; Pulmonary fibrosis and/or bone marrow failure, Telomere-related, 3. Last evaluated: 2024-08-21. Review status: criteria provided, single submitter. Criteria: Invitae Variant Classification Sherloc (09022015). Collection method: clinical testing. Allele origin: germline.
Comment: This sequence change replaces arginine, which is basic and polar, with histidine, which is basic and polar, at codon 750 of the RTEL1 protein (p.Arg750His). This variant is present in population databases (rs758667681, gnomAD 0.01%). This variant has not been reported in the literature in individuals affected with RTEL1-related conditions. ClinVar contains an entry for this variant (Variation ID: 1163656). An algorithm developed to predict the effect of missense changes on protein structure and function (PolyPhen-2) suggests that this variant is likely to be disruptive. In summary, the available evidence is currently insufficient to determine the role of this variant in disease. Therefore, it has been classified as a Variant of Uncertain Significance.

Ambry Genetics
Classification: Uncertain significance for Inborn genetic diseases. Last evaluated: 2023-06-02. Review status: criteria provided, single submitter. Criteria: Ambry Variant Classification Scheme 2023. Collection method: clinical testing. Allele origin: germline.

Mayo Clinic Laboratories, Mayo Clinic
Classification: Uncertain significance. Last evaluated: 2019-09-16. Review status: criteria provided, single submitter. Criteria: ACMG Guidelines, 2015. Collection method: clinical testing. Allele origin: germline. Observed: 1 variant allele.

NM_001283009.2(RTEL1):c.2249G>A (p.Arg750His)

Genes: RTEL1-TNFRSF6B (RTEL1-TNFRSF6B readthrough (NMD candidate); plus strand), RTEL1 (regulator of telomere elongation helicase 1; plus strand). Cytogenetic location: 20q13.33.
Variant type: single nucleotide variant.
Coding change: c.2249G>A on transcript NM_001283009.2 (MANE Select); coding-DNA position 2249, G replaced by A.
Protein change: p.Arg750His; replaces arginine 750 with histidine.
Molecular consequence: missense variant. On other transcripts: non-coding transcript variant (1).
Genome position (GRCh38, 1-based): chr20:63,690,194, G>A. VCF-style: chr20-63690194-G-A. GRCh37 (hg19) VCF-style: chr20-62321547-G-A.
Other names: c.1580G>A, p.Arg527His (NM_001283010.1); c.2249G>A, p.Arg750His (NM_016434.4); c.2321G>A, p.Arg774His (NM_032957.5); short protein forms R527H, R750H, R774H.
Identifiers: ClinVar variation 1163656 (VCV001163656.9), dbSNP rs758667681, ClinGen allele CA9965233.
Genomic context (GRCh38, chr20:63,690,194, plus strand): 5'-CCCACGTCAGGGTGTATGACAACTTTGGCCATGTCATCCGAGACGTGGCCCAGTTCTTCC[G>A]TGTTGCCGAGCGAACTGTGAGTTCCTGCCCAGGGAGGGGATGAGGGTGTTGTCCCCAGAG-3'
Protein context (NP_001269938.1, residues 740-760): HVIRDVAQFF[Arg750His]VAERTMPAPA